The following is an entry in ClinVar:

NM_000055.4(BCHE):c.1129G>T (p.Glu377Ter)

Gene: BCHE (butyrylcholinesterase; minus strand). Cytogenetic location: 3q26.1.
Variant type: single nucleotide variant.
Coding change: c.1129G>T on transcript NM_000055.4 (MANE Select); coding-DNA position 1129, G replaced by T.
Protein change: p.Glu377Ter; replaces glutamic acid 377 with a stop codon.
Molecular consequence: nonsense. On other transcripts: non-coding transcript variant (1).
Genome position (GRCh38, 1-based): chr3:165,829,905, C>A on the plus strand (G>T on the coding strand, the complement: BCHE is on the minus strand). VCF-style: chr3-165829905-C-A. GRCh37 (hg19) VCF-style: chr3-165547693-C-A.
Other names: short protein forms E377*.
Identifiers: ClinVar variation 1324374 (VCV001324374.7), dbSNP rs534912670, ClinGen allele CA355111337.

ClinVar aggregate classification (germline): Pathogenic/Likely pathogenic. Review status: criteria provided, multiple submitters, no conflicts (2 of 4 stars). 3 submissions from 3 submitters: Pathogenic (2); Likely pathogenic (1). Last evaluated 2026-08-25.

Conditions:
Deficiency of butyrylcholinesterase (BCHED). Also called: Butyrylcholinesterase deficiency; Deficiency of butyrylcholine esterase; BCHE, silent 1; Acholinesterasemia. Identifiers: Orphanet 132, MedGen C1283400, MONDO:0015270, OMIM 617936.

Allele frequency attached by ClinVar (database versions not stated): gnomAD exomes 0.00001; TOPMed 0.00001.
gnomAD v4.1: 11 of 1,611,234 alleles (0.00068%); highest among the groups gnomAD compares: Admixed American, 0.0017%; no homozygotes.

Submissions (3):

Myriad Genetics, Inc.
Classification: Pathogenic for Deficiency of butyrylcholinesterase. Last evaluated: 2026-08-25. Review status: criteria provided, single submitter. Criteria: Myriad Autosomal Dominant, Autosomal Recessive and X-Linked Classification Criteria (2023). Collection method: clinical testing. Allele origin: unknown.
Comment: NM_000055.2(BCHE):c.1129G>T(E377*) is a nonsense variant classified as pathogenic in the context of pseudocholinesterase deficiency. E377* has not been observed in cases with relevant disease. Relevant functional assessments of this variant are not available in the literature. E377* has been observed in referenced population frequency databases. In summary, NM_000055.2(BCHE):c.1129G>T(E377*) is a nonsense variant in a gene where loss of function is a known mechanism of disease and is predicted to disrupt protein function. Please note: this variant was assessed in the context of healthy population screening.

Dasa
Classification: Likely pathogenic for butyrylcholinesterase deficiency. Last evaluated: 2025-02-13. Review status: criteria provided, single submitter. Criteria: DASA Assertion Criteria. Collection method: clinical testing. Allele origin: germline.
Comment: NM_000055.4(BCHE):c.1129G>T (p.Glu377*) is a nonsense variant in BCHE predicted to introduce a premature termination codon and is predicted to result in an absent or altered protein product. Loss of function is an established disease mechanism for BCHE-associated disorders. Also, this variant is rare in population databases. Based on the currently available evidence, this variant is classified as likely pathogenic.

Revvity Omics, Revvity
Classification: Pathogenic for Deficiency of butyrylcholinesterase. Last evaluated: 2020-05-04. Review status: criteria provided, single submitter. Criteria: ACMG Guidelines, 2015. Collection method: clinical testing. Allele origin: germline.